The following is an entry in ClinVar:

NM_000038.6(APC):c.1288G>C (p.Gly430Arg)

Gene: APC (APC regulator of Wnt signaling pathway; plus strand). Cytogenetic location: 5q22.2.
Variant type: single nucleotide variant.
Coding change: c.1288G>C on transcript NM_000038.6 (MANE Select); coding-DNA position 1288, G replaced by C.
Protein change: p.Gly430Arg; replaces glycine 430 with arginine.
Molecular consequence: missense variant.
Genome position (GRCh38, 1-based): chr5:112,819,320, G>C. VCF-style: chr5-112819320-G-C. GRCh37 (hg19) VCF-style: chr5-112155017-G-C.
Other names: c.1288G>C, p.Gly430Arg (NM_001127510.3, NM_001354895.2, NM_001354896.2); c.1234G>C, p.Gly412Arg (NM_001127511.3); c.1318G>C, p.Gly440Arg (NM_001354897.2); c.1213G>C, p.Gly405Arg (NM_001354898.2); c.1204G>C, p.Gly402Arg (NM_001354899.2); c.1111G>C, p.Gly371Arg (NM_001354900.2, NM_001354901.2); c.1015G>C, p.Gly339Arg (NM_001354902.2); c.985G>C, p.Gly329Arg (NM_001354903.2); and 4 more; short protein forms G329R, G339R, G371R, G430R, G270R, G405R, G412R, G304R.
Identifiers: ClinVar variation 1045591 (VCV001045591.11), dbSNP rs1762869952, ClinGen allele CA16024126.

ClinVar aggregate classification (germline): Uncertain significance. Review status: criteria provided, multiple submitters, no conflicts (2 of 4 stars). 2 submissions from 2 submitters: Uncertain significance (2). Last evaluated 2025-05-16.

Conditions:
Hereditary cancer-predisposing syndrome. Also called: Hereditary Cancer Syndrome; Tumor predisposition; Hereditary neoplastic syndrome; Neoplastic Syndromes, Hereditary. Identifiers: Orphanet 140162, MedGen C0027672, MeSH D009386, MONDO:0015356.
Familial adenomatous polyposis 1 (FAP1). Also called: POLYPOSIS, ADENOMATOUS INTESTINAL; FAMILIAL ADENOMATOUS POLYPOSIS 1, ATTENUATED. Identifiers: MedGen C2713442, MONDO:0021056, OMIM 175100. Disease mechanism: loss of function.

gnomAD v4.1: 1 of 1,614,016 alleles (0.000062%); highest among the groups gnomAD compares: Non-Finnish European, 0.000085%; no homozygotes.

Submissions (2):

Ambry Genetics
Classification: Uncertain significance for Hereditary cancer-predisposing syndrome. Last evaluated: 2025-05-16. Review status: criteria provided, single submitter. Criteria: Ambry Variant Classification Scheme 2023. Collection method: clinical testing. Allele origin: germline.
Comment: The p.G430R variant (also known as c.1288G>C), located in coding exon 9 of the APC gene, results from a G to C substitution at nucleotide position 1288. The glycine at codon 430 is replaced by arginine, an amino acid with dissimilar properties. This amino acid position is highly conserved in available vertebrate species. Missense alterations in APC are not a common cause of disease (Spier I et al. Genet Med. 2024 Feb;26(2):100992). Based on the available evidence, the clinical significance of this variant remains unclear.

Labcorp Genetics (formerly Invitae), Labcorp
Classification: Uncertain significance for Familial adenomatous polyposis 1. Last evaluated: 2020-06-13. Review status: criteria provided, single submitter. Criteria: Invitae Variant Classification Sherloc (09022015). Collection method: clinical testing. Allele origin: germline.
Comment: In summary, the available evidence is currently insufficient to determine the role of this variant in disease. Therefore, it has been classified as a Variant of Uncertain Significance. Algorithms developed to predict the effect of missense changes on protein structure and function are either unavailable or do not agree on the potential impact of this missense change (SIFT: "Deleterious"; PolyPhen-2: "Benign"; Align-GVGD: "Class C25"). This variant has not been reported in the literature in individuals with APC-related conditions. This variant is not present in population databases (ExAC no frequency). This sequence change replaces glycine with arginine at codon 430 of the APC protein (p.Gly430Arg). The glycine residue is highly conserved and there is a moderate physicochemical difference between glycine and arginine.